The following is an entry in ClinVar:

NM_012318.3(LETM1):c.738+5G>A

Gene: LETM1 (leucine zipper and EF-hand containing transmembrane protein 1; minus strand). Cytogenetic location: 4p16.3.
Variant type: single nucleotide variant.
Coding change: c.738+5G>A on transcript NM_012318.3 (MANE Select); 5 bases into the intron after coding-DNA position 738, G replaced by A.
Molecular consequence: intron variant.
Genome position (GRCh38, 1-based): chr4:1,836,424, C>T on the plus strand (G>A on the coding strand, the complement: LETM1 is on the minus strand). VCF-style: chr4-1836424-C-T. GRCh37 (hg19) VCF-style: chr4-1838151-C-T.
Identifiers: ClinVar variation 2163185 (VCV002163185.4), dbSNP rs772060591, ClinGen allele CA2811558.
Genomic context (GRCh38, chr4:1,836,424, plus strand): 5'-CAAGGAAGCCATCACAATGAATTTCAGACTCATTCTAAAACAAGCAGTTGGGATGCTGCC[C>T]TTACCTTGAGTGACTGAGTCTCAAATGTGGATGGCAACATGTTGGGGAAGAGCTTCACAG-3'

ClinVar aggregate classification (germline): Uncertain significance (1 of 4 stars; one submission).

Allele frequency attached by ClinVar (database versions not stated): ExAC 0.00002; gnomAD exomes 0.00002.

Submission:

Labcorp Genetics (formerly Invitae), Labcorp
Classification: Uncertain significance. Last evaluated: 2022-07-05. Review status: criteria provided, single submitter. Criteria: Invitae Variant Classification Sherloc (09022015). Collection method: clinical testing. Allele origin: germline.
Comment: In summary, the available evidence is currently insufficient to determine the role of this variant in disease. Therefore, it has been classified as a Variant of Uncertain Significance. Variants that disrupt the consensus splice site are a relatively common cause of aberrant splicing (PMID: 17576681, 9536098). Algorithms developed to predict the effect of sequence changes on RNA splicing suggest that this variant is not likely to affect RNA splicing. This variant has not been reported in the literature in individuals affected with LETM1-related conditions. This variant is present in population databases (rs772060591, gnomAD 0.004%). This sequence change falls in intron 4 of the LETM1 gene. It does not directly change the encoded amino acid sequence of the LETM1 protein. It affects a nucleotide within the consensus splice site.

Literature cited by the submitters: PubMed 17576681; PubMed 9536098.